The following is an entry in ClinVar:

ClinVar aggregate classification (germline): Uncertain significance (1 of 4 stars; one submission).

Conditions:
Charcot-Marie-Tooth disease axonal type 2Z. Also called: CHARCOT-MARIE-TOOTH DISEASE, AXONAL, AUTOSOMAL DOMINANT, TYPE 2Z; CHARCOT-MARIE-TOOTH NEUROPATHY, TYPE 2Z. Identifiers: Orphanet 466768, MedGen C5569025, MONDO:0014736, OMIM 616688.

Allele frequency attached by ClinVar (database versions not stated): TOPMed below 0.00001.

Submission:

Labcorp Genetics (formerly Invitae), Labcorp
Classification: Uncertain significance for Charcot-Marie-Tooth disease axonal type 2Z. Last evaluated: 2022-08-19. Review status: criteria provided, single submitter. Criteria: Invitae Variant Classification Sherloc (09022015). Collection method: clinical testing. Allele origin: germline.
Comment: This variant is not present in population databases (gnomAD no frequency). This sequence change affects codon 818 of the MORC2 mRNA. It is a 'silent' change, meaning that it does not change the encoded amino acid sequence of the MORC2 protein. This variant has not been reported in the literature in individuals affected with MORC2-related conditions. Algorithms developed to predict the effect of sequence changes on RNA splicing suggest that this variant may disrupt the consensus splice site. In summary, the available evidence is currently insufficient to determine the role of this variant in disease. Therefore, it has been classified as a Variant of Uncertain Significance.

NM_001303256.3(MORC2):c.2454C>T (p.Gly818=)

Gene: MORC2 (MORC family CW-type zinc finger 2; minus strand). Cytogenetic location: 22q12.2.
Variant type: single nucleotide variant.
Coding change: c.2454C>T on transcript NM_001303256.3 (MANE Select); coding-DNA position 2454, C replaced by T.
Protein change: p.Gly818=; no amino-acid change (glycine 818 retained).
Molecular consequence: synonymous variant.
Genome position (GRCh38, 1-based): chr22:30,932,957, G>A on the plus strand (C>T on the coding strand, the complement: MORC2 is on the minus strand). VCF-style: chr22-30932957-G-A. GRCh37 (hg19) VCF-style: chr22-31328944-G-A.
Other names: c.2454C>T, p.Gly818= (NM_001303257.2); c.2268C>T, p.Gly756= (NM_014941.3).
Identifiers: ClinVar variation 2086749 (VCV002086749.4), dbSNP rs2040597365, ClinGen allele CA514457756.
Genomic context (GRCh38, chr22:30,932,957, plus strand): 5'-TCTTGGTGTCGTGTCTGTGGGCACGTAGTCAAACTTCACCTTCCACCGCACCACATGCTT[G>A]CCCACCTCCACGGCTGTGACACGGCCCGTGTACCACTCCCTGTTCACACGCACCTCCACG-3'
Protein context (NP_001290185.1, residues 808-828): YTGRVTAVEV[Gly818=]KHVVRWKVKF